The following is an entry in ClinVar:

ClinVar aggregate classification (germline): Likely benign. Review status: reviewed by expert panel (3 of 4 stars). 3 submissions from 3 submitters: Likely benign (1). 2 of the submissions do not count toward it. Last evaluated 2024-09-10.

Conditions:
Inborn genetic diseases. Identifiers: MedGen C0950123, MeSH D030342.
Hereditary thrombocytopenia and hematologic cancer predisposition syndrome. Identifiers: Orphanet 71290, MedGen CN281654, MONDO:0011071.
Hereditary thrombocytopenia and hematological cancer predisposition syndrome associated with RUNX1. Also called: Familial Platelet Disorder with Propensity to Acute Myelogenous Leukemia; Familial thrombocytopenia with propensity to acute myelogenous leukemia; PLATELET DISORDER, ASPIRIN-LIKE; RUNX1 Familial Platelet Disorder with Associated Myeloid Malignancies. Identifiers: Orphanet 71290, MedGen C1832388, MeSH C563324, MONDO:0100083, OMIM 601399.

Submissions (3):

ClinGen Myeloid Malignancy Variant Curation Expert Panel
Classification: Likely benign for Hereditary thrombocytopenia and hematologic cancer predisposition syndrome. Last evaluated: 2024-09-10. Review status: reviewed by expert panel. Criteria: ClinGen MyeloMalig ACMG Specifications v2. Collection method: curation. Allele origin: germline. Inheritance: Autosomal dominant inheritance.
Comment: NM_001754.5(RUNX1):c.1278G>C (p.Pro426=) is a synonymous variant which has a SpliceAI score ≤ 0.20 (0.0) (BP4). This variant has a SpliceAI score ≤ 0.20 (0.0) and evolutionary conservation algorithms predict the site as not being conserved (PhyloP score ≤ 2.0 (-1.50)) (BP7). This variant is completely absent from all population databases with at least 20x coverage for RUNX1 (PM2_Supporting). In summary, this variant meets criteria to be classified as likely benign. ACMG/AMP criteria applied, as specified by the Myeloid Malignancy Variant Curation Expert Panel for RUNX1: BP4, BP7, PM2_supporting.

Ambry Genetics
Classification: Likely benign for Inborn genetic diseases. Last evaluated: 2024-12-16. Review status: criteria provided, single submitter. Criteria: Ambry Variant Classification Scheme 2023. Collection method: clinical testing. Allele origin: germline. Not counted in ClinVar's aggregate classification.

Labcorp Genetics (formerly Invitae), Labcorp
Classification: Likely benign for Hereditary thrombocytopenia and hematological cancer predisposition syndrome associated with RUNX1. Last evaluated: 2021-02-12. Review status: criteria provided, single submitter. Criteria: Invitae Variant Classification Sherloc (09022015). Collection method: clinical testing. Allele origin: germline. Not counted in ClinVar's aggregate classification.

NM_001754.5(RUNX1):c.1278G>C (p.Pro426=)

Gene: RUNX1 (RUNX family transcription factor 1; minus strand). Cytogenetic location: 21q22.12.
Variant type: single nucleotide variant.
Coding change: c.1278G>C on transcript NM_001754.5 (MANE Select); coding-DNA position 1278, G replaced by C.
Protein change: p.Pro426=; no amino-acid change (proline 426 retained).
Molecular consequence: synonymous variant.
Genome position (GRCh38, 1-based): chr21:34,792,300, C>G on the plus strand (G>C on the coding strand, the complement: RUNX1 is on the minus strand). VCF-style: chr21-34792300-C-G. GRCh37 (hg19) VCF-style: chr21-36164597-C-G.
Other names: NM_001754.5(RUNX1):c.1278G>C; p.Pro426=; c.1278G>C (NM_001754.4); c.1197G>C, p.Pro399= (NM_001001890.3).
Identifiers: ClinVar variation 1632538 (VCV001632538.10), dbSNP rs1263322321, ClinGen allele CA512341135.